The following is an entry in ClinVar:

NM_018297.4(NGLY1):c.1120T>C (p.Ser374Pro)

Gene: NGLY1 (N-glycanase 1; minus strand). Cytogenetic location: 3p24.2.
Variant type: single nucleotide variant.
Coding change: c.1120T>C on transcript NM_018297.4 (MANE Select); coding-DNA position 1120, T replaced by C.
Protein change: p.Ser374Pro; replaces serine 374 with proline.
Molecular consequence: missense variant. On other transcripts: intron variant (1).
Genome position (GRCh38, 1-based): chr3:25,736,033, A>G on the plus strand (T>C on the coding strand, the complement: NGLY1 is on the minus strand). VCF-style: chr3-25736033-A-G. GRCh37 (hg19) VCF-style: chr3-25777524-A-G.
Other names: c.994T>C, p.Ser332Pro (NM_001145294.2); c.1120T>C, p.Ser374Pro (NM_001145295.2); c.1095+276T>C (NM_001145293.2); short protein forms S374P, S332P.
Identifiers: ClinVar variation 935031 (VCV000935031.6), dbSNP rs765144358, ClinGen allele CA351900755.

ClinVar aggregate classification (germline): Uncertain significance (1 of 4 stars; one submission).

Conditions:
Congenital disorder of deglycosylation (CDDG). Identifiers: MedGen C3808991, MONDO:0031376.

gnomAD v4.1: 61 of 1,613,740 alleles (0.0038%); highest among the groups gnomAD compares: Non-Finnish European, 0.005%; no homozygotes.

Submission:

Labcorp Genetics (formerly Invitae), Labcorp
Classification: Uncertain significance for Congenital disorder of deglycosylation. Last evaluated: 2022-03-19. Review status: criteria provided, single submitter. Criteria: Invitae Variant Classification Sherloc (09022015). Collection method: clinical testing. Allele origin: germline.
Comment: This sequence change replaces serine, which is neutral and polar, with proline, which is neutral and non-polar, at codon 374 of the NGLY1 protein (p.Ser374Pro). This variant is present in population databases (no rsID available, gnomAD 0.002%). This variant has not been reported in the literature in individuals affected with NGLY1-related conditions. ClinVar contains an entry for this variant (Variation ID: 935031). Algorithms developed to predict the effect of missense changes on protein structure and function are either unavailable or do not agree on the potential impact of this missense change (SIFT: "Tolerated"; PolyPhen-2: "Possibly Damaging"; Align-GVGD: "Class C0"). In summary, the available evidence is currently insufficient to determine the role of this variant in disease. Therefore, it has been classified as a Variant of Uncertain Significance.